The following is an entry in ClinVar:

ClinVar aggregate classification (germline): Conflicting classifications of pathogenicity. Review status: criteria provided, conflicting classifications (1 of 4 stars). 6 submissions from 6 submitters: Pathogenic (1); Likely pathogenic (2); Uncertain significance (2). 1 of the submissions does not count toward it. Last evaluated 2025-09-29.

Conditions:
Renal tubulopathies.
Familial hypokalemia-hypomagnesemia (GTLMNS). Also called: HYPOMAGNESEMIA-HYPOKALEMIA, PRIMARY RENOTUBULAR, WITH HYPOCALCIURIA; gitelman syndrome; POTASSIUM AND MAGNESIUM DEPLETION. Identifiers: Orphanet 358, MedGen C0268450, MONDO:0009904, OMIM 263800.

Allele frequency attached by ClinVar (database versions not stated): TOPMed 0.00001; ExAC 0.00002; gnomAD 0.00003; gnomAD exomes 0.00003; ESP Exome Variant Server 0.00008.
gnomAD v4.1: 20 of 1,614,002 alleles (0.0012%); highest among the groups gnomAD compares: East Asian, 0.02%; no homozygotes.

Submissions (6):

Genetics Laboratory, Great Ormond Street Hospital NHS Foundation Trust, North Thames Genomic Laboratory Hub
Classification: Likely pathogenic for Renal tubulopathies. Last evaluated: 2025-09-29. Review status: criteria provided, single submitter. Criteria: ACGS Best Practice Guidelines for Variant Classification in Rare Disease 2024 v1.2. Collection method: clinical testing. Allele origin: germline. Affected: yes.
Comment: PM2_moderate, PP3_supporting, PM5_moderate, PM3_moderate

Labcorp Genetics (formerly Invitae), Labcorp
Classification: Uncertain significance. Last evaluated: 2025-08-28. Review status: criteria provided, single submitter. Criteria: Invitae Variant Classification Sherloc (09022015). Collection method: clinical testing. Allele origin: germline.
Comment: This sequence change replaces arginine, which is basic and polar, with histidine, which is basic and polar, at codon 871 of the SLC12A3 protein (p.Arg871His). The frequency data for this variant in the population databases is considered unreliable, as metrics indicate poor data quality at this position in the gnomAD database. This missense change has been observed in individual(s) with clinical features of Gitelman syndrome (PMID: 15687331, 21051746, 22679066, 35785516, 37702302). ClinVar contains an entry for this variant (Variation ID: 242726). Invitae Evidence Modeling of protein sequence and biophysical properties (such as structural, functional, and spatial information, amino acid conservation, physicochemical variation, residue mobility, and thermodynamic stability) indicates that this missense variant is expected to disrupt SLC12A3 protein function with a positive predictive value of 95%. This variant disrupts the p.Arg871 amino acid residue in SLC12A3. Other variant(s) that disrupt this residue have been observed in individuals with SLC12A3-related conditions (PMID: 17699451, 22009145, 22679066), which suggests that this may be a clinically significant amino acid residue. In summary, the available evidence is currently insufficient to determine the role of this variant in disease. Therefore, it has been classified as a Variant of Uncertain Significance.

Women's Health and Genetics/Laboratory Corporation of America, LabCorp
Classification: Uncertain significance. Last evaluated: 2025-06-18. Review status: criteria provided, single submitter. Criteria: LabCorp Variant Classification Summary - May 2015. Collection method: clinical testing. Allele origin: germline.
Comment: Variant summary: SLC12A3 c.2612G>A (p.Arg871His) results in a non-conservative amino acid change in the encoded protein sequence. Algorithms developed to predict the effect of missense changes on protein structure and function all suggest that this variant is likely to be disruptive. The variant allele was found at a frequency of 2.8e-05 in 251394 control chromosomes. The available data on variant occurrences in the general population are insufficient to allow any conclusion about variant significance. c.2612G>A has been observed in individual(s) affected with Familial Hypokalemia-Hypomagnesemia (e.g. Zeng_2019, Lin_2005, Rossanti_2022, Chen_2023, Qin_2022, Shen_2021, Zhang_2020, Yan_2021, Lo_2011, Zhang_2021, Ng_2006). In many cases, it has been observed in cis with another pathogenic variant, c.488C>T (p.Thr163Met), and therefore the pathogenicity of c.2612G>A cannot be independently assessed. These report(s) do not provide unequivocal conclusions about association of the variant with Familial Hypokalemia-Hypomagnesemia. To our knowledge, no experimental evidence demonstrating an impact on protein function has been reported. The following publications have been ascertained in the context of this evaluation (PMID: 37248651, 15687331, 21051746, 17000984, 36158002, 35785516, 33382082, 34389731, 31398183, 33996672, 32542819). ClinVar contains an entry for this variant (Variation ID: 242726). Based on the evidence outlined above, the variant was classified as uncertain significance.

Fulgent Genetics
Classification: Likely pathogenic for Familial hypokalemia-hypomagnesemia. Last evaluated: 2024-05-17. Review status: criteria provided, single submitter. Criteria: ACMG Guidelines, 2015. Collection method: clinical testing. Allele origin: germline.

Juno Genomics, Hangzhou Juno Genomics, Inc
Classification: Pathogenic for Familial hypokalemia-hypomagnesemia. Review status: criteria provided, single submitter. Criteria: ACMG Guidelines, 2015. Collection method: clinical testing. Allele origin: germline. Affected: yes.
Comment: Absent from controls (or at extremely low frequency if recessive) in Genome Aggregation Database, Exome Sequencing Project, 1000 Genomes Project, or Exome Aggregation Consortium.;Multiple lines of computational evidence support a deleterious effect on the gene or gene product (conservation, evolutionary, splicing impact, etc).;For recessive disorders, detected in trans with a pathogenic variant.;Patient's phenotype or family history is highly specific for a disease with a single genetic etiology.

Department of Endocrinology, Dongguan Hospital of Guangzhou University of Chinese Medicine
Classification: Pathogenic for Familial hypokalemia-hypomagnesemia. Review status: no assertion criteria provided. Collection method: clinical testing. Allele origin: biparental. Affected: yes. Not counted in ClinVar's aggregate classification.

Literature cited by the submitters: PubMed 15687331 (cited by Labcorp Genetics (formerly Invitae), Labcorp and Women's Health and Genetics/Laboratory Corporation of America, LabCorp); PubMed 21051746 (cited by Labcorp Genetics (formerly Invitae), Labcorp and Women's Health and Genetics/Laboratory Corporation of America, LabCorp); PubMed 22679066 (cited by Labcorp Genetics (formerly Invitae), Labcorp); PubMed 35785516 (cited by Labcorp Genetics (formerly Invitae), Labcorp and Women's Health and Genetics/Laboratory Corporation of America, LabCorp); PubMed 37702302 (cited by Labcorp Genetics (formerly Invitae), Labcorp); PubMed 17699451 (cited by Labcorp Genetics (formerly Invitae), Labcorp); PubMed 22009145 (cited by Labcorp Genetics (formerly Invitae), Labcorp); PubMed 32542819 (cited by Women's Health and Genetics/Laboratory Corporation of America, LabCorp); PubMed 33996672 (cited by Women's Health and Genetics/Laboratory Corporation of America, LabCorp); PubMed 31398183 (cited by Women's Health and Genetics/Laboratory Corporation of America, LabCorp); PubMed 33382082 (cited by Women's Health and Genetics/Laboratory Corporation of America, LabCorp); PubMed 37248651 (cited by Women's Health and Genetics/Laboratory Corporation of America, LabCorp); PubMed 17000984 (cited by Women's Health and Genetics/Laboratory Corporation of America, LabCorp); PubMed 36158002 (cited by Women's Health and Genetics/Laboratory Corporation of America, LabCorp); PubMed 34389731 (cited by Women's Health and Genetics/Laboratory Corporation of America, LabCorp).

NM_001126108.2(SLC12A3):c.2585G>A (p.Arg862His)

Gene: SLC12A3 (solute carrier family 12 member 3; plus strand). Cytogenetic location: 16q13.
Variant type: single nucleotide variant.
Coding change: c.2585G>A on transcript NM_001126108.2 (MANE Select); coding-DNA position 2585, G replaced by A.
Protein change: p.Arg862His; replaces arginine 862 with histidine.
Molecular consequence: missense variant.
Genome position (GRCh38, 1-based): chr16:56,894,594, G>A. VCF-style: chr16-56894594-G-A. GRCh37 (hg19) VCF-style: chr16-56928506-G-A.
Other names: c.2612G>A, p.Arg871His (NM_000339.3); c.2609G>A, p.Arg870His (NM_001126107.2); c.2612G>A (NM_000339.2); short protein forms R871H, R862H, R870H.
Identifiers: ClinVar variation 242726 (VCV000242726.10), dbSNP rs267607051, ClinGen allele CA032037.
Genomic context (GRCh38, chr16:56,894,594, plus strand): 5'-TCACCCTCCTCATTCCCTATCTCCTTGGCCGCAAGAGGAGGTGGAGCAAATGCAAGATCC[G>A]TGTGTTCGTAGGCGGCCAGATTAACAGGATGGACCAGGAGAGAAAGGCGTAAGTGTGGAG-3'
Protein context (NP_001119580.2, residues 852-872): RKRRWSKCKI[Arg862His]VFVGGQINRM